The following is an entry in ClinVar:

NM_000327.4(ROM1):c.538dup (p.Val180fs)

Gene: ROM1 (retinal outer segment membrane protein 1; plus strand). Cytogenetic location: 11q12.3.
Variant type: Duplication.
Coding change: c.538dup on transcript NM_000327.4 (MANE Select); coding-DNA position 538, one base duplicated (G; older notation c.538dupG).
Protein change: p.Val180fs; shifts the reading frame from valine 180.
Molecular consequence: frameshift variant.
Genome position (GRCh38, 1-based): chr11:62,613,819, G duplicated; the last of 4 consecutive G bases (chr11:62,613,816-62,613,819); duplicating any one gives the same sequence. VCF-style (leftmost placement, unchanged base first): chr11-62613815-T-TG. GRCh37 (hg19) VCF-style: chr11-62381287-T-TG.
Other names: short protein forms V180fs.
Identifiers: ClinVar variation 2796330 (VCV002796330.3), dbSNP rs1457113047, ClinGen allele CA679040072.

ClinVar aggregate classification (germline): Uncertain significance (1 of 4 stars; one submission).

Submission:

Labcorp Genetics (formerly Invitae), Labcorp
Classification: Uncertain significance. Last evaluated: 2023-05-03. Review status: criteria provided, single submitter. Criteria: Invitae Variant Classification Sherloc (09022015). Collection method: clinical testing. Allele origin: germline.
Comment: In summary, the available evidence is currently insufficient to determine the role of this variant in disease. Therefore, it has been classified as a Variant of Uncertain Significance. This variant is not present in population databases (gnomAD no frequency). This sequence change creates a premature translational stop signal (p.Val180Glyfs*13) in the ROM1 gene. It is expected to result in an absent or disrupted protein product. However, the current clinical and genetic evidence is not sufficient to establish whether loss-of-function variants in ROM1 cause disease. This variant has not been reported in the literature in individuals affected with ROM1-related conditions.